The following is an entry in ClinVar:

ClinVar aggregate classification (germline): Uncertain significance (1 of 4 stars; one submission).

Allele frequency attached by ClinVar (database versions not stated): gnomAD 0.00001; TOPMed 0.00002.
gnomAD v4.1: 13 of 1,614,052 alleles (0.00081%); highest among the groups gnomAD compares: Middle Eastern, 0.016%; no homozygotes.

Submission:

Labcorp Genetics (formerly Invitae), Labcorp
Classification: Uncertain significance. Last evaluated: 2022-08-21. Review status: criteria provided, single submitter. Criteria: Invitae Variant Classification Sherloc (09022015). Collection method: clinical testing. Allele origin: germline.
Comment: This sequence change replaces methionine, which is neutral and non-polar, with valine, which is neutral and non-polar, at codon 3769 of the VPS13D protein (p.Met3769Val). This variant is not present in population databases (gnomAD no frequency). This variant has not been reported in the literature in individuals affected with VPS13D-related conditions. Algorithms developed to predict the effect of missense changes on protein structure and function are either unavailable or do not agree on the potential impact of this missense change (SIFT: "Not Available"; PolyPhen-2: "Possibly Damaging"; Align-GVGD: "Not Available"). In summary, the available evidence is currently insufficient to determine the role of this variant in disease. Therefore, it has been classified as a Variant of Uncertain Significance.

NM_015378.4(VPS13D):c.11305A>G (p.Met3769Val)

Gene: VPS13D (vacuolar protein sorting 13 homolog D; plus strand). Cytogenetic location: 1p36.22.
Variant type: single nucleotide variant.
Coding change: c.11305A>G on transcript NM_015378.4 (MANE Select); coding-DNA position 11305, A replaced by G.
Protein change: p.Met3769Val; replaces methionine 3769 with valine.
Molecular consequence: missense variant.
Genome position (GRCh38, 1-based): chr1:12,383,090, A>G. VCF-style: chr1-12383090-A-G. GRCh37 (hg19) VCF-style: chr1-12443149-A-G.
Other names: c.11230A>G, p.Met3744Val (NM_018156.4); short protein forms M3744V, M3769V.
Identifiers: ClinVar variation 1910169 (VCV001910169.5), dbSNP rs1241288660, ClinGen allele CA338501136.